The following is an entry in ClinVar:

NM_001257096.2(PAX1):c.*23G>A

Gene: PAX1 (paired box 1; plus strand). Cytogenetic location: 20p11.22.
Variant type: single nucleotide variant.
Coding change: c.*23G>A on transcript NM_001257096.2 (MANE Select); 23 bases downstream of the stop codon, G replaced by A.
Molecular consequence: 3 prime UTR variant. On other transcripts: missense variant (1).
Genome position (GRCh38, 1-based): chr20:21,714,585, G>A. VCF-style: chr20-21714585-G-A. GRCh37 (hg19) VCF-style: chr20-21695223-G-A.
Other names: c.1387G>A, p.Ala463Thr (NM_006192.5); c.1387G>A (NM_006192.3); short protein forms A463T.
Identifiers: ClinVar variation 1015430 (VCV001015430.7), dbSNP rs760787621, ClinGen allele CA9786776.

ClinVar aggregate classification (germline): Uncertain significance. Review status: criteria provided, multiple submitters, no conflicts (2 of 4 stars). 2 submissions from 2 submitters: Uncertain significance (2). Last evaluated 2024-06-11.

Conditions:
Inborn genetic diseases. Identifiers: MedGen C0950123, MeSH D030342.

Allele frequency attached by ClinVar (database versions not stated): gnomAD exomes 0.00002 and 0.00007; ExAC 0.00009; gnomAD 0.00013 and 0.00016; TOPMed 0.00014.
gnomAD v4.1: 51 of 1,578,274 alleles (0.0032%); highest among the groups gnomAD compares: African/African-American, 0.048%; no homozygotes.

Submissions (2):

Ambry Genetics
Classification: Uncertain significance for Inborn genetic diseases. Last evaluated: 2024-06-11. Review status: criteria provided, single submitter. Criteria: Ambry Variant Classification Scheme 2023. Collection method: clinical testing. Allele origin: germline.

Labcorp Genetics (formerly Invitae), Labcorp
Classification: Uncertain significance. Last evaluated: 2022-02-04. Review status: criteria provided, single submitter. Criteria: Invitae Variant Classification Sherloc (09022015). Collection method: clinical testing. Allele origin: germline.
Comment: This sequence change replaces alanine, which is neutral and non-polar, with threonine, which is neutral and polar, at codon 463 of the PAX1 protein (p.Ala463Thr). This variant is present in population databases (rs760787621, gnomAD 0.05%). This variant has not been reported in the literature in individuals affected with PAX1-related conditions. ClinVar contains an entry for this variant (Variation ID: 1015430). Algorithms developed to predict the effect of missense changes on protein structure and function (SIFT, PolyPhen-2, Align-GVGD) all suggest that this variant is likely to be tolerated. In summary, the available evidence is currently insufficient to determine the role of this variant in disease. Therefore, it has been classified as a Variant of Uncertain Significance.